The following is an entry in ClinVar:

NM_152383.5(DIS3L2):c.49A>G (p.Arg17Gly)

Gene: DIS3L2 (DIS3 like 3'-5' exoribonuclease 2; plus strand). Cytogenetic location: 2q37.1.
Variant type: single nucleotide variant.
Coding change: c.49A>G on transcript NM_152383.5 (MANE Select); coding-DNA position 49, A replaced by G.
Protein change: p.Arg17Gly; replaces arginine 17 with glycine.
Molecular consequence: missense variant. On other transcripts: non-coding transcript variant (2).
Genome position (GRCh38, 1-based): chr2:232,014,976, A>G. VCF-style: chr2-232014976-A-G. GRCh37 (hg19) VCF-style: chr2-232879686-A-G.
Other names: c.49A>G, p.Arg17Gly (NM_001257281.2, NM_001257282.2); short protein forms R17G.
Identifiers: ClinVar variation 651418 (VCV000651418.8), dbSNP rs1574812219, ClinGen allele CA351151113.

ClinVar aggregate classification (germline): Uncertain significance (1 of 4 stars; one submission).

Conditions:
Perlman syndrome (PRLMNS). Identifiers: Orphanet 2849, MedGen C0796113, MONDO:0009965, OMIM 267000.

Allele frequency attached by ClinVar (database versions not stated): gnomAD exomes below 0.00001.
gnomAD v4.1: 1 of 1,614,004 alleles (0.000062%); highest among the groups gnomAD compares: Non-Finnish European, 0.000085%; no homozygotes.

Submission:

Labcorp Genetics (formerly Invitae), Labcorp
Classification: Uncertain significance for Perlman syndrome. Last evaluated: 2022-11-01. Review status: criteria provided, single submitter. Criteria: Invitae Variant Classification Sherloc (09022015). Collection method: clinical testing. Allele origin: germline.
Comment: In summary, the available evidence is currently insufficient to determine the role of this variant in disease. Therefore, it has been classified as a Variant of Uncertain Significance. Algorithms developed to predict the effect of missense changes on protein structure and function (SIFT, PolyPhen-2, Align-GVGD) all suggest that this variant is likely to be tolerated. ClinVar contains an entry for this variant (Variation ID: 651418). This variant has not been reported in the literature in individuals affected with DIS3L2-related conditions. This variant is not present in population databases (gnomAD no frequency). This sequence change replaces arginine, which is basic and polar, with glycine, which is neutral and non-polar, at codon 17 of the DIS3L2 protein (p.Arg17Gly).